The following is an entry in ClinVar:

ClinVar aggregate classification (germline): Uncertain significance (1 of 4 stars; one submission).

Submission:

GeneDx
Classification: Uncertain significance. Last evaluated: 2024-03-19. Review status: criteria provided, single submitter. Criteria: GeneDx Variant Classification Process June 2021. Collection method: clinical testing. Allele origin: germline. Affected: yes.
Comment: Not observed at significant frequency in large population cohorts (gnomAD); In silico analysis supports that this missense variant does not alter protein structure/function; Has not been previously published as pathogenic or benign to our knowledge

NM_001009944.3(PKD1):c.4253C>T (p.Thr1418Ile)

Gene: PKD1 (polycystin 1, transient receptor potential channel interacting; minus strand). Cytogenetic location: 16p13.3.
Variant type: single nucleotide variant.
Coding change: c.4253C>T on transcript NM_001009944.3 (MANE Select); coding-DNA position 4253, C replaced by T.
Protein change: p.Thr1418Ile; replaces threonine 1418 with isoleucine.
Molecular consequence: missense variant.
Genome position (GRCh38, 1-based): chr16:2,110,914, G>A on the plus strand (C>T on the coding strand, the complement: PKD1 is on the minus strand). VCF-style: chr16-2110914-G-A. GRCh37 (hg19) VCF-style: chr16-2160915-G-A.
Other names: c.4253C>T, p.Thr1418Ile (NM_000296.4); short protein forms T1418I.
Identifiers: ClinVar variation 3371085 (VCV003371085.1).